The following is an entry in ClinVar:

ClinVar aggregate classification (germline): Likely pathogenic. Review status: criteria provided, multiple submitters, no conflicts (2 of 4 stars). 2 submissions from 2 submitters: Likely pathogenic (2). Last evaluated 2025-04-15.

Conditions:
Deficiency of aromatic-L-amino-acid decarboxylase. Also called: Aromatic L-Amino Acid Decarboxylase Deficiency; AADC DEFICIENCY; DDC DEFICIENCY; DOPA DECARBOXYLASE DEFICIENCY; Aromatic amino acid decarboxylase deficiency. Identifiers: Orphanet 35708, MedGen C1291564, MONDO:0012084, OMIM 608643.

Submissions (2):

Women's Health and Genetics/Laboratory Corporation of America, LabCorp
Classification: Likely pathogenic for Deficiency of aromatic-L-amino-acid decarboxylase. Last evaluated: 2025-04-15. Review status: criteria provided, single submitter. Criteria: LabCorp Variant Classification Summary - May 2015. Collection method: clinical testing. Allele origin: germline.
Comment: Variant summary: DDC c.367G>C (p.Gly123Arg) results in a non-conservative amino acid change in the encoded protein sequence. Three of five in-silico tools predict a damaging effect of the variant on protein function. A different nucleotide change resulting in the same amino acid change, namely c.367G>A (p.Gly123Arg) has been reported in at-least three individuals with Deficiency Of Aromatic-L-Amino-Acid Decarboxylase (Pearson_2020) and classified as Likely Pathogenic by our laboratory. The variant allele was found at a frequency of 6e-05 in 249826 control chromosomes. This frequency is not significantly higher than estimated for a pathogenic variant in DDC causing Deficiency Of Aromatic-L-Amino-Acid Decarboxylase (6e-05 vs 0.0011), allowing no conclusion about variant significance. p.Gly123Arg (without specifying c.367G>C or c.367G>A) has been reported in the literature in the compound heterozygous state in at least one individual affected with Deficiency Of Aromatic-L-Amino-Acid Decarboxylase (Brun_2010). To our knowledge, no experimental evidence demonstrating an impact on protein function has been reported. The following publications have been ascertained in the context of this evaluation (PMID: 20505134, 32369189). ClinVar contains an entry for this variant (Variation ID: 3003021). Based on the evidence outlined above, the variant was classified as likely pathogenic.

Labcorp Genetics (formerly Invitae), Labcorp
Classification: Likely pathogenic for Deficiency of aromatic-L-amino-acid decarboxylase. Last evaluated: 2023-09-19. Review status: criteria provided, single submitter. Criteria: Invitae Variant Classification Sherloc (09022015). Collection method: clinical testing. Allele origin: germline.
Comment: This sequence change replaces glycine, which is neutral and non-polar, with arginine, which is basic and polar, at codon 123 of the DDC protein (p.Gly123Arg). The frequency data for this variant in the population databases is considered unreliable, as metrics indicate poor data quality at this position in the gnomAD database. This missense change has been observed in individual(s) with aromatic L-amino acid decarboxylase deficiency (PMID: 20505134, 32369189). Advanced modeling of protein sequence and biophysical properties (such as structural, functional, and spatial information, amino acid conservation, physicochemical variation, residue mobility, and thermodynamic stability) has been performed at Invitae for this missense variant, however the output from this modeling did not meet the statistical confidence thresholds required to predict the impact of this variant on DDC protein function. In summary, the currently available evidence indicates that the variant is pathogenic, but additional data are needed to prove that conclusively. Therefore, this variant has been classified as Likely Pathogenic.

Literature cited by the submitters: PubMed 32369189 (cited by Women's Health and Genetics/Laboratory Corporation of America, LabCorp and Labcorp Genetics (formerly Invitae), Labcorp); PubMed 20505134 (cited by Women's Health and Genetics/Laboratory Corporation of America, LabCorp and Labcorp Genetics (formerly Invitae), Labcorp).

NM_001082971.2(DDC):c.367G>C (p.Gly123Arg)

Genes: DDC (dopa decarboxylase; minus strand), DDC-AS1 (DDC antisense RNA 1; plus strand). Cytogenetic location: 7p12.1.
Variant type: single nucleotide variant.
Coding change: c.367G>C on transcript NM_001082971.2 (MANE Select); coding-DNA position 367, G replaced by C.
Protein change: p.Gly123Arg; replaces glycine 123 with arginine.
Molecular consequence: missense variant. On other transcripts: intron variant (1).
Genome position (GRCh38, 1-based): chr7:50,537,928, C>G on the plus strand (G>C on the coding strand, the complement: DDC is on the minus strand). VCF-style: chr7-50537928-C-G. GRCh37 (hg19) VCF-style: chr7-50605626-C-G.
Other names: c.367G>C, p.Gly123Arg (NM_000790.4, NM_001242887.2, NM_001242889.2 and 1 more transcripts); c.253G>C, p.Gly85Arg (NM_001242886.2); c.201+5957G>C (NM_001242888.2); short protein forms G123R, G85R.
Identifiers: ClinVar variation 3003021 (VCV003003021.6), dbSNP rs768596169, ClinGen allele CA4262389.